The following is an entry in ClinVar:

ClinVar aggregate classification (germline): Uncertain significance (1 of 4 stars; one submission).

Conditions:
Deficiency of 2-methylbutyryl-CoA dehydrogenase (ACADSB). Also called: 2-methylbutyrylglycinuria; 2-methylbutyryl-CoA dehydrogenase deficiency; SBCAD deficiency; 2-methylbutyric aciduria; Short branched-chain acyl-CoA dehydrogenase deficiency. Identifiers: Orphanet 79157, MedGen C1864912, MONDO:0012392, OMIM 610006, HP:0020147.

Allele frequency attached by ClinVar (database versions not stated): gnomAD exomes below 0.00001 and 0.00001.
gnomAD v4.1: 1 of 1,614,028 alleles (0.000062%); highest among the groups gnomAD compares: Admixed American, 0.0017%; no homozygotes.

Submission:

Labcorp Genetics (formerly Invitae), Labcorp
Classification: Uncertain significance for Deficiency of 2-methylbutyryl-CoA dehydrogenase. Last evaluated: 2018-12-04. Review status: criteria provided, single submitter. Criteria: Invitae Variant Classification Sherloc (09022015). Collection method: clinical testing. Allele origin: germline.
Comment: In summary, the available evidence is currently insufficient to determine the role of this variant in disease. Therefore, it has been classified as a Variant of Uncertain Significance. Algorithms developed to predict the effect of missense changes on protein structure and function are either unavailable or do not agree on the potential impact of this missense change (SIFT: "Deleterious"; PolyPhen-2: "Probably Damaging"; Align-GVGD: "Class C0"). This variant has not been reported in the literature in individuals with ACADSB-related conditions. This variant is not present in population databases (ExAC no frequency). This sequence change replaces cysteine with tyrosine at codon 385 of the ACADSB protein (p.Cys385Tyr). The cysteine residue is moderately conserved and there is a large physicochemical difference between cysteine and tyrosine.

NM_001609.4(ACADSB):c.1154G>A (p.Cys385Tyr)

Gene: ACADSB (acyl-CoA dehydrogenase short/branched chain; plus strand). Cytogenetic location: 10q26.13.
Variant type: single nucleotide variant.
Coding change: c.1154G>A on transcript NM_001609.4 (MANE Select); coding-DNA position 1154, G replaced by A.
Protein change: p.Cys385Tyr; replaces cysteine 385 with tyrosine.
Molecular consequence: missense variant.
Genome position (GRCh38, 1-based): chr10:123,053,086, G>A. VCF-style: chr10-123053086-G-A. GRCh37 (hg19) VCF-style: chr10-124812602-G-A.
Other names: c.848G>A, p.Cys283Tyr (NM_001330174.3); short protein forms C385Y, C283Y.
Identifiers: ClinVar variation 641998 (VCV000641998.8), dbSNP rs1370215763, ClinGen allele CA378622675.